The following is an entry in ClinVar:

NC_000016.9:g.(?_1568197)_(1570829_?)dup

Gene: IFT140 (intraflagellar transport 140; minus strand). Cytogenetic location: 16p13.3.
Variant type: Duplication.
Identifiers: ClinVar variation 1449273 (VCV001449273.5).

ClinVar aggregate classification (germline): Pathogenic (1 of 4 stars; one submission).

Conditions:
Saldino-Mainzer syndrome (SRTD9). Also called: Renal dysplasia, retinal pigmentary dystrophy, cerebellar ataxia and skeletal dysplasia; CONORENAL SYNDROME; SHORT-RIB THORACIC DYSPLASIA 9 WITHOUT POLYDACTYLY; short-rib thoracic dysplasia 9 with or without polydactyly. Identifiers: Orphanet 140969, MedGen C1849437, MONDO:0009964, OMIM 266920.

Submission:

Labcorp Genetics (formerly Invitae), Labcorp
Classification: Pathogenic for Saldino-Mainzer syndrome. Last evaluated: 2023-12-11. Review status: criteria provided, single submitter. Criteria: Invitae Variant Classification Sherloc (09022015). Collection method: clinical testing. Allele origin: germline.
Comment: This variant results in a copy number gain of the genomic region encompassing exon(s) 27-30 of the IFT140 gene. While the exact position of this variant cannot be determined from the data, sub-genic copy number gains are generally in tandem (PMID: 25640679). This variant is predicted to be in-frame, and likely preserves the integrity of the reading frame. A similar copy number variant has been observed in individuals with IFT140-related conditions (PMID: 29688594). It has also been observed to segregate with disease in related individuals. Experimental studies and prediction algorithms are not available or were not evaluated, and the functional significance of this variant is currently unknown. Studies have shown that a similar copy number variant alters IFT140 gene expression (PMID: 29688594). For these reasons, this variant has been classified as Pathogenic.

Literature cited by the submitters: PubMed 25640679; PubMed 29688594.